The following is an entry in ClinVar:

ClinVar aggregate classification (germline): Uncertain significance. Review status: criteria provided, multiple submitters, no conflicts (2 of 4 stars). 2 submissions from 2 submitters: Uncertain significance (2). Last evaluated 2024-03-25.

Allele frequency attached by ClinVar (database versions not stated): gnomAD exomes 0.00002 and 0.00001; ExAC 0.00002; TOPMed below 0.00001.
gnomAD v4.1: 5 of 1,612,330 alleles (0.00031%); highest among the groups gnomAD compares: Admixed American, 0.0083%; no homozygotes.

Submissions (2):

Revvity Omics, Revvity
Classification: Uncertain significance. Last evaluated: 2024-03-25. Review status: criteria provided, single submitter. Criteria: ACMG Guidelines, 2015. Collection method: clinical testing. Allele origin: germline.

GeneDx
Classification: Uncertain significance. Last evaluated: 2019-10-24. Review status: criteria provided, single submitter. Criteria: GeneDx Variant Classification Process June 2021. Collection method: clinical testing. Allele origin: germline. Affected: yes.
Comment: Not observed at a significant frequency in large population cohorts (Lek et al., 2016); Missense variant in a gene in which most reported pathogenic variants are truncating/loss-of-function; Has not been previously published as pathogenic or benign to our knowledge

NM_001267550.2(TTN):c.54000G>C (p.Trp18000Cys)

Genes: TTN (titin; minus strand), TTN-AS1 (TTN antisense RNA 1; plus strand). Cytogenetic location: 2q31.2.
Variant type: single nucleotide variant.
Coding change: c.54000G>C on transcript NM_001267550.2 (MANE Select); coding-DNA position 54000, G replaced by C.
Protein change: p.Trp18000Cys; replaces tryptophan 18000 with cysteine.
Molecular consequence: missense variant. On other transcripts: non-coding transcript variant (1).
Genome position (GRCh38, 1-based): chr2:178,605,177, C>G on the plus strand (G>C on the coding strand, the complement: TTN is on the minus strand). VCF-style: chr2-178605177-C-G. GRCh37 (hg19) VCF-style: chr2-179469904-C-G.
Other names: c.49077G>C, p.Trp16359Cys (NM_001256850.1); c.26805G>C, p.Trp8935Cys (NM_003319.4); c.46296G>C, p.Trp15432Cys (NM_133378.4); c.27180G>C, p.Trp9060Cys (NM_133432.3); c.27381G>C, p.Trp9127Cys (NM_133437.4); short protein forms W15432C, W16359C, W18000C, W8935C, W9060C, W9127C.
Identifiers: ClinVar variation 1309644 (VCV001309644.3), dbSNP rs72646813, ClinGen allele CA1993712.